The following is an entry in ClinVar:

ClinVar aggregate classification (germline): Uncertain significance (1 of 4 stars; one submission).

Conditions:
Amyotrophic lateral sclerosis type 1 (ALS1). Also called: AMYOTROPHIC LATERAL SCLEROSIS 1, FAMILIAL. Identifiers: Orphanet 803, MedGen C1862939, MONDO:0007103, OMIM 105400.
Neuronopathy, distal hereditary motor, type 7B. Also called: Distal Hereditary Motor Neuronopathy Type 7B (dHMN7B); HMN VIIB; LOWER MOTOR NEURON DISEASE, DYNACTIN TYPE; NEURONOPATHY, DISTAL HEREDITARY MOTOR, AUTOSOMAL DOMINANT 14; NEURONOPATHY, DISTAL HEREDITARY MOTOR, HARDING TYPE VIIB; NEUROPATHY, DISTAL HEREDITARY MOTOR, HARDING TYPE VIIB. Identifiers: Orphanet 139589, MedGen C1843315, MONDO:0011879, OMIM 607641.
Perry syndrome. Also called: PARKINSONISM WITH ALVEOLAR HYPOVENTILATION AND MENTAL DEPRESSION. Identifiers: Orphanet 178509, MedGen C1868594, MONDO:0008201, OMIM 168605.

Submission:

Labcorp Genetics (formerly Invitae), Labcorp
Classification: Uncertain significance for Amyotrophic lateral sclerosis type 1; Neuronopathy, distal hereditary motor, type 7B; Perry syndrome. Last evaluated: 2023-06-27. Review status: criteria provided, single submitter. Criteria: Invitae Variant Classification Sherloc (09022015). Collection method: clinical testing. Allele origin: germline.
Comment: In summary, the available evidence is currently insufficient to determine the role of this variant in disease. Therefore, it has been classified as a Variant of Uncertain Significance. Advanced modeling of protein sequence and biophysical properties (such as structural, functional, and spatial information, amino acid conservation, physicochemical variation, residue mobility, and thermodynamic stability) performed at Invitae indicates that this missense variant is not expected to disrupt DCTN1 protein function. ClinVar contains an entry for this variant (Variation ID: 2154902). This variant has not been reported in the literature in individuals affected with DCTN1-related conditions. This variant is not present in population databases (gnomAD no frequency). This sequence change replaces lysine, which is basic and polar, with arginine, which is basic and polar, at codon 1042 of the DCTN1 protein (p.Lys1042Arg).

NM_004082.5(DCTN1):c.3125A>G (p.Lys1042Arg)

Gene: DCTN1 (dynactin subunit 1; minus strand). Cytogenetic location: 2p13.1.
Variant type: single nucleotide variant.
Coding change: c.3125A>G on transcript NM_004082.5 (MANE Select); coding-DNA position 3125, A replaced by G.
Protein change: p.Lys1042Arg; replaces lysine 1042 with arginine.
Molecular consequence: missense variant. On other transcripts: non-coding transcript variant (1).
Genome position (GRCh38, 1-based): chr2:74,365,146, T>C on the plus strand (A>G on the coding strand, the complement: DCTN1 is on the minus strand). VCF-style: chr2-74365146-T-C. GRCh37 (hg19) VCF-style: chr2-74592273-T-C.
Other names: c.3056A>G, p.Lys1019Arg (NM_001378992.1); c.2723A>G, p.Lys908Arg (NM_023019.4, NM_001135041.3); c.3014A>G, p.Lys1005Arg (NM_001190836.2); c.3104A>G, p.Lys1035Arg (NM_001190837.2); c.3074A>G, p.Lys1025Arg (NM_001378991.1); c.3065A>G, p.Lys1022Arg (NM_001135040.3); short protein forms K1025R, K1005R, K1019R, K1035R, K1042R, K1022R, K908R.
Identifiers: ClinVar variation 2154902 (VCV002154902.4), dbSNP rs2529100943, ClinGen allele CA347340088.
Genomic context (GRCh38, chr2:74,365,146, plus strand): 5'-CCAGAGACCAGAGTAGCAATGCCTGAAGGAGGAGGGCCCCGGAGTCCCTCAATCGTGCGT[T>C]TGGACTGGCTGTTCAGACGCTGCTTTAGTTCTGCCTTCTCTGCCTCCAGCTGGTCGATGT-3'
Protein context (NP_004073.2, residues 1032-1052): ELKQRLNSQS[Lys1042Arg]RTIEGLRGPP